The following is an entry in ClinVar:

ClinVar aggregate classification (germline): Uncertain significance (1 of 4 stars; one submission).

Submission:

Labcorp Genetics (formerly Invitae), Labcorp
Classification: Uncertain significance. Last evaluated: 2020-11-11. Review status: criteria provided, single submitter. Criteria: Invitae Variant Classification Sherloc (09022015). Collection method: clinical testing. Allele origin: germline.
Comment: In summary, the available evidence is currently insufficient to determine the role of this variant in disease. Therefore, it has been classified as a Variant of Uncertain Significance. Advanced modeling of protein sequence and biophysical properties (such as structural, functional, and spatial information, amino acid conservation, physicochemical variation, residue mobility, and thermodynamic stability) performed at Invitae indicates that this missense variant is not expected to disrupt FH protein function. This variant has not been reported in the literature in individuals with FH-related conditions. This variant is not present in population databases (ExAC no frequency). This sequence change replaces arginine with serine at codon 12 of the FH protein (p.Arg12Ser). The arginine residue is moderately conserved and there is a moderate physicochemical difference between arginine and serine.

NM_000143.4(FH):c.34C>A (p.Arg12Ser)

Gene: FH (fumarate hydratase; minus strand). Cytogenetic location: 1q43.
Variant type: single nucleotide variant.
Coding change: c.34C>A on transcript NM_000143.4 (MANE Select); coding-DNA position 34, C replaced by A.
Protein change: p.Arg12Ser; replaces arginine 12 with serine.
Molecular consequence: missense variant.
Genome position (GRCh38, 1-based): chr1:241,519,689, G>T on the plus strand (C>A on the coding strand, the complement: FH is on the minus strand). VCF-style: chr1-241519689-G-T. GRCh37 (hg19) VCF-style: chr1-241682989-G-T.
Other names: short protein forms R12S.
Identifiers: ClinVar variation 1483541 (VCV001483541.8), dbSNP rs199912971, ClinGen allele CA345443012.
Genomic context (GRCh38, chr1:241,519,689, plus strand): 5'-CCGCGCCACCCAAGCCGGGAGCCGAAGCTAAGGCTGCGGCTGGAGCCCGCACGAGGGGAC[G>T]CGAGCGCGCGAGGAGCCGAAGTGCTCGGTACATGGTGCTGAGGGAGCTTGGGTAGAATTT-3'
Protein context (NP_000134.2, residues 2-22): YRALRLLARS[Arg12Ser]PLVRAPAAAL